The following is an entry in ClinVar:

NM_032638.5(GATA2):c.1267G>A (p.Glu423Lys)

Gene: GATA2 (GATA binding protein 2; minus strand). Cytogenetic location: 3q21.3.
Variant type: single nucleotide variant.
Coding change: c.1267G>A on transcript NM_032638.5 (MANE Select); coding-DNA position 1267, G replaced by A.
Protein change: p.Glu423Lys; replaces glutamic acid 423 with lysine.
Molecular consequence: missense variant.
Genome position (GRCh38, 1-based): chr3:128,481,195, C>T on the plus strand (G>A on the coding strand, the complement: GATA2 is on the minus strand). VCF-style: chr3-128481195-C-T. GRCh37 (hg19) VCF-style: chr3-128200038-C-T.
Other names: c.1267G>A (NM_032638.4); c.1267G>A, p.Glu423Lys (NM_001145661.2); c.1225G>A, p.Glu409Lys (NM_001145662.1); short protein forms E409K, E423K.
Identifiers: ClinVar variation 1008996 (VCV001008996.8), dbSNP rs758517602, ClinGen allele CA2599811.
Genomic context (GRCh38, chr3:128,481,195, plus strand): 5'-GGTGGCCCACAGGTGCCATGTGTCCAGCCAGGGCAGCTGCACTGAAGGGGGATGACTTCT[C>T]CTGCATGCACTTTGACAGCTCCTCGAAGCACTCCGCCCCTTTCTTGCTCTTCTTGGACTT-3'
Protein context (NP_116027.2, residues 413-433): CFEELSKCMQ[Glu423Lys]KSSPFSAAAL

ClinVar aggregate classification (germline): Uncertain significance. Review status: criteria provided, multiple submitters, no conflicts (2 of 4 stars). 3 submissions from 3 submitters: Uncertain significance (3). Last evaluated 2025-08-09.

Conditions:
Inborn genetic diseases. Identifiers: MedGen C0950123, MeSH D030342.
Acute myeloid leukemia (AML). Also called: Acute myeloid leukemia, adult; AML adult; Acute non-lymphocytic leukemia; Acute granulocytic leukemia; Leukemia, acute myelogenous, somatic; Leukemia, acute myeloid, somatic. Identifiers: Orphanet 519, MedGen C0023467, MeSH D015470, MONDO:0018874, OMIM 601626, HP:0004808. Disease mechanism: Constitutively activated FLT3.
Deafness-lymphedema-leukemia syndrome. Also called: Lymphedema, primary, with myelodysplasia; Emberger syndrome. Identifiers: Orphanet 3226, MedGen C3279664, MONDO:0013540, OMIM 614038.
Monocytopenia with susceptibility to infections. Also called: Dendritic cell, monocyte, B lymphocyte, and natural killer lymphocyte deficiency; MONOCYTOPENIA AND MYCOBACTERIAL INFECTION SYNDROME; MONOCYTOPENIA WITH SUSCEPTIBILITY TO MYCOBACTERIAL, FUNGAL, AND PAPILLOMAVIRUS INFECTIONS AND MYELODYSPLASIA; COMBINED IMMUNODEFICIENCY WITH SUSCEPTIBILITY TO MYCOBACTERIAL, VIRAL, AND FUNGAL INFECTIONS; GATA2 DEFICIENCY; IMMUNODEFICIENCY 21. Identifiers: Orphanet 228423, MedGen C3280030, MONDO:0013607, OMIM 614172.

Allele frequency attached by ClinVar (database versions not stated): gnomAD exomes below 0.00001; ExAC 0.00001.
gnomAD v4.1: 1 of 1,614,226 alleles (0.000062%); highest among the groups gnomAD compares: Non-Finnish European, 0.000085%; no homozygotes.

Submissions (3):

Ambry Genetics
Classification: Uncertain significance for Inborn genetic diseases. Last evaluated: 2025-08-09. Review status: criteria provided, single submitter. Criteria: Ambry Variant Classification Scheme 2023. Collection method: clinical testing. Allele origin: germline.
Comment: The p.E423K variant (also known as c.1267G>A), located in coding exon 5 of the GATA2 gene, results from a G to A substitution at nucleotide position 1267. The glutamic acid at codon 423 is replaced by lysine, an amino acid with similar properties. This amino acid position is conserved. In addition, the in silico prediction for this alteration is inconclusive. Based on the available evidence, the clinical significance of this variant remains unclear.

Labcorp Genetics (formerly Invitae), Labcorp
Classification: Uncertain significance for Monocytopenia with susceptibility to infections; Deafness-lymphedema-leukemia syndrome. Last evaluated: 2024-07-22. Review status: criteria provided, single submitter. Criteria: Invitae Variant Classification Sherloc (09022015). Collection method: clinical testing. Allele origin: germline.
Comment: This sequence change replaces glutamic acid, which is acidic and polar, with lysine, which is basic and polar, at codon 423 of the GATA2 protein (p.Glu423Lys). This variant is present in population databases (rs758517602, gnomAD 0.0009%). This variant has not been reported in the literature in individuals affected with GATA2-related conditions. ClinVar contains an entry for this variant (Variation ID: 1008996). Advanced modeling of protein sequence and biophysical properties (such as structural, functional, and spatial information, amino acid conservation, physicochemical variation, residue mobility, and thermodynamic stability) has been performed at Invitae for this missense variant, however the output from this modeling did not meet the statistical confidence thresholds required to predict the impact of this variant on GATA2 protein function. In summary, the available evidence is currently insufficient to determine the role of this variant in disease. Therefore, it has been classified as a Variant of Uncertain Significance.

Baylor Genetics
Classification: Uncertain significance for Acute myeloid leukemia. Last evaluated: 2023-06-02. Review status: criteria provided, single submitter. Criteria: ACMG Guidelines, 2015. Collection method: clinical testing. Allele origin: unknown.